The following is an entry in ClinVar:

ClinVar aggregate classification (germline): Pathogenic (1 of 4 stars; one submission).

Conditions:
Usher syndrome type 1F (USH1F). Also called: USHER SYNDROME, TYPE IF. Identifiers: Orphanet 231169, Orphanet 886, MedGen C1865885, MONDO:0011186, OMIM 602083.

Submission:

Myriad Genetics, Inc.
Classification: Pathogenic for Usher syndrome type 1F. Last evaluated: 2023-09-03. Review status: criteria provided, single submitter. Criteria: Myriad Autosomal Dominant, Autosomal Recessive and X-Linked Classification Criteria (2023). Collection method: clinical testing. Allele origin: unknown.
Comment: NM_033056.3(PCDH15):c.2947G>T(E983*) is expected to be pathogenic in the context of PCDH15-related disorders. This variant is predicted to lead to an abnormal or absent protein product due to the creation of a premature termination codon in PCDH15, a gene where loss-of-function variants are known to be pathogenic. Please note: this variant was assessed in the context of healthy population screening.

NM_001384140.1(PCDH15):c.2947G>T (p.Glu983Ter)

Gene: PCDH15 (protocadherin related 15; minus strand). Cytogenetic location: 10q21.1.
Variant type: single nucleotide variant.
Coding change: c.2947G>T on transcript NM_001384140.1 (MANE Select); coding-DNA position 2947, G replaced by T.
Protein change: p.Glu983Ter; replaces glutamic acid 983 with a stop codon.
Molecular consequence: nonsense.
Genome position (GRCh38, 1-based): chr10:53,961,814, C>A on the plus strand (G>T on the coding strand, the complement: PCDH15 is on the minus strand). VCF-style: chr10-53961814-C-A. GRCh37 (hg19) VCF-style: chr10-55721574-C-A.
Other names: c.2962G>T, p.Glu988Ter (NM_001142763.2, NM_001142771.2); c.2947G>T, p.Glu983Ter (NM_001142764.2, NM_001142766.2, NM_001142770.3 and 4 more transcripts); c.2734G>T, p.Glu912Ter (NM_001142765.2); c.2836G>T, p.Glu946Ter (NM_001142767.2); c.2881G>T, p.Glu961Ter (NM_001142768.2, NM_001142773.2, NM_001354404.2); c.2983G>T, p.Glu995Ter (NM_001142769.4); c.2968G>T, p.Glu990Ter (NM_001354411.2); short protein forms E912*, E946*, E961*, E983*, E988*, E990*, E995*.
Identifiers: ClinVar variation 5011521 (VCV005011521.1).
Genomic context (GRCh38, chr10:53,961,814, plus strand): 5'-TAAAAATTGTTGTAGGTTCTTCATTAAGATTGACTCGTGTTATTACTCTTCCAGAATCTT[C>A]TTCCACTTCAAAAATACTGGCAGGGTAAGGAAACTGTACATCATCTACTCTATACCTCAC-3'